The following is an entry in ClinVar:

ClinVar aggregate classification (germline): Uncertain significance. Review status: criteria provided, multiple submitters, no conflicts (2 of 4 stars). 3 submissions from 3 submitters: Uncertain significance (3). Last evaluated 2025-03-23.

Conditions:
Desmin-related myofibrillar myopathy (MFM1). Also called: MYOFIBRILLAR MYOPATHY WITH ARRHYTHMOGENIC RIGHT VENTRICULAR CARDIOMYOPATHY; DESMIN-RELATED MYOPATHY WITH ARRHYTHMOGENIC RIGHT VENTRICULAR CARDIOMYOPATHY; Myofibrillar myopathy 1; Desminopathy; Desmin related myopathy (former name); Desmin storage myopathy (former name). Identifiers: Orphanet 363543, Orphanet 98909, MedGen C1832370, MONDO:0011076, OMIM 601419.
Cardiovascular phenotype. Identifiers: MedGen CN230736.

Allele frequency attached by ClinVar (database versions not stated): gnomAD 0.00001; gnomAD exomes 0.00001; TOPMed 0.00001.
gnomAD v4.1: 9 of 1,555,460 alleles (0.00058%); highest among the groups gnomAD compares: Non-Finnish European, 0.0007%; no homozygotes.

Submissions (3):

Ambry Genetics
Classification: Uncertain significance for Cardiovascular phenotype. Last evaluated: 2025-03-23. Review status: criteria provided, single submitter. Criteria: Ambry Variant Classification Scheme 2023. Collection method: clinical testing. Allele origin: germline.
Comment: The p.R163P variant (also known as c.488G>C), located in coding exon 1 of the DES gene, results from a G to C substitution at nucleotide position 488. The arginine at codon 163 is replaced by proline, an amino acid with dissimilar properties. This amino acid position is conserved. In addition, this alteration is predicted to be deleterious by in silico analysis. Since supporting evidence is limited at this time, the clinical significance of this alteration remains unclear.

GeneDx
Classification: Uncertain significance. Last evaluated: 2025-01-28. Review status: criteria provided, single submitter. Criteria: GeneDx Variant Classification Process June 2021. Collection method: clinical testing. Allele origin: germline. Affected: yes.
Comment: Not observed at significant frequency in large population cohorts (gnomAD); In silico analysis supports that this missense variant has a deleterious effect on protein structure/function; Has not been previously published as pathogenic or benign to our knowledge; This variant is associated with the following publications: (PMID: 26807690)

Labcorp Genetics (formerly Invitae), Labcorp
Classification: Uncertain significance for Desmin-related myofibrillar myopathy. Last evaluated: 2024-09-30. Review status: criteria provided, single submitter. Criteria: Invitae Variant Classification Sherloc (09022015). Collection method: clinical testing. Allele origin: germline.
Comment: This sequence change replaces arginine, which is basic and polar, with proline, which is neutral and non-polar, at codon 163 of the DES protein (p.Arg163Pro). This variant is present in population databases (no rsID available, gnomAD 0.002%). This variant has not been reported in the literature in individuals affected with DES-related conditions. ClinVar contains an entry for this variant (Variation ID: 1405508). Invitae Evidence Modeling of protein sequence and biophysical properties (such as structural, functional, and spatial information, amino acid conservation, physicochemical variation, residue mobility, and thermodynamic stability) indicates that this missense variant is expected to disrupt DES protein function with a positive predictive value of 95%. In summary, the available evidence is currently insufficient to determine the role of this variant in disease. Therefore, it has been classified as a Variant of Uncertain Significance.

NM_001927.4(DES):c.488G>C (p.Arg163Pro)

Gene: DES (desmin; plus strand). Cytogenetic location: 2q35.
Variant type: single nucleotide variant.
Coding change: c.488G>C on transcript NM_001927.4 (MANE Select); coding-DNA position 488, G replaced by C.
Protein change: p.Arg163Pro; replaces arginine 163 with proline.
Molecular consequence: missense variant.
Genome position (GRCh38, 1-based): chr2:219,418,950, G>C. VCF-style: chr2-219418950-G-C. GRCh37 (hg19) VCF-style: chr2-220283672-G-C.
Other names: c.488G>C, p.Arg163Pro (NM_001382708.1, NM_001382709.1, NM_001382710.1 and 3 more transcripts); short protein forms R163P.
Identifiers: ClinVar variation 1405508 (VCV001405508.12), dbSNP rs1457012198, ClinGen allele CA350686610.
Genomic context (GRCh38, chr2:219,418,950, plus strand): 5'-TCAAGGGCCGCGAGCCGACGCGAGTGGCCGAGCTCTACGAGGAGGAGCTGCGGGAGCTGC[G>C]GCGCCAGGTGGAGGTGCTCACTAACCAGCGCGCGCGCGTCGACGTCGAGCGCGACAACCT-3'
Protein context (NP_001918.3, residues 153-173): ELYEEELREL[Arg163Pro]RQVEVLTNQR